The following is an entry in ClinVar:

ClinVar aggregate classification (germline): Likely benign (1 of 4 stars; one submission).

Conditions:
FMN2-related disorder. Also called: FMN2-related condition.

Allele frequency attached by ClinVar (database versions not stated): ExAC 0.00163; gnomAD 0.00186.

Submission:

PreventionGenetics, part of Exact Sciences
Classification: Likely benign for FMN2-related condition. Last evaluated: 2021-12-06. Review status: criteria provided, single submitter. Criteria: ACMG Guidelines, 2015. Collection method: clinical testing. Allele origin: germline.
Comment: This variant is classified as likely benign based on ACMG/AMP sequence variant interpretation guidelines (Richards et al. 2015 PMID: 25741868, with internal and published modifications).

NM_020066.5(FMN2):c.3042T>A (p.Leu1014=)

Gene: FMN2 (formin 2; plus strand). Cytogenetic location: 1q43.
Variant type: single nucleotide variant.
Coding change: c.3042T>A on transcript NM_020066.5 (MANE Select); coding-DNA position 3042, T replaced by A.
Protein change: p.Leu1014=; no amino-acid change (leucine 1014 retained).
Molecular consequence: synonymous variant. On other transcripts: intron variant (1).
Genome position (GRCh38, 1-based): chr1:240,207,854, T>A. VCF-style: chr1-240207854-T-A. GRCh37 (hg19) VCF-style: chr1-240371154-T-A.
Other names: c.3054T>A, p.Leu1018= (NM_001305424.2); c.1986+19592T>A (NM_001348094.2).
Identifiers: ClinVar variation 3043162 (VCV003043162.1), dbSNP rs772681464, ClinGen allele CA1477001.